The following is an entry in ClinVar:

ClinVar aggregate classification (germline): Pathogenic (1 of 4 stars; one submission).

Conditions:
Hyperphosphatasia with impaired intellectual development syndrome 2. Also called: GLYCOSYLPHOSPHATIDYLINOSITOL BIOSYNTHESIS DEFECT 6; Hyperphosphatasia with intellectual disability syndrome 2. Identifiers: Orphanet 247262, MedGen C3553637, MONDO:0013882, OMIM 614749.

Allele frequency attached by ClinVar (database versions not stated): TOPMed below 0.00001.

Submission:

Labcorp Genetics (formerly Invitae), Labcorp
Classification: Pathogenic for Hyperphosphatasia with impaired intellectual development syndrome 2. Last evaluated: 2024-01-14. Review status: criteria provided, single submitter. Criteria: Invitae Variant Classification Sherloc (09022015). Collection method: clinical testing. Allele origin: germline.
Comment: This sequence change creates a premature translational stop signal (p.Ala149Glyfs*3) in the PIGO gene. It is expected to result in an absent or disrupted protein product. Loss-of-function variants in PIGO are known to be pathogenic (PMID: 22683086, 24417746). This variant is not present in population databases (gnomAD no frequency). This variant has not been reported in the literature in individuals affected with PIGO-related conditions. For these reasons, this variant has been classified as Pathogenic.

Literature cited by the submitters: PubMed 22683086; PubMed 24417746.

NM_032634.4(PIGO):c.445dup (p.Ala149fs)

Gene: PIGO (phosphatidylinositol glycan anchor biosynthesis class O; minus strand). Cytogenetic location: 9p13.3.
Variant type: Duplication.
Coding change: c.445dup on transcript NM_032634.4 (MANE Select); coding-DNA position 445, one base duplicated (G; older notation c.445dupG).
Protein change: p.Ala149fs; shifts the reading frame from alanine 149.
Molecular consequence: frameshift variant.
Genome position (GRCh38, 1-based): chr9:35,095,121, C duplicated on the plus strand (G on the coding strand, the reverse complement: PIGO is on the minus strand). VCF-style (leftmost placement, unchanged base first): chr9-35095120-G-GC. GRCh37 (hg19) VCF-style: chr9-35095117-G-GC.
Other names: c.445dup, p.Ala149fs (NM_001201484.2, NM_152850.4); short protein forms A149fs.
Identifiers: ClinVar variation 2870992 (VCV002870992.3), dbSNP rs1829605743, ClinGen allele CA1845828881.